The following is an entry in ClinVar:

NM_006121.4(KRT1):c.309_383del (p.Ile114_Gly138del)

Gene: KRT1 (keratin 1; minus strand). Cytogenetic location: 12q13.13.
Variant type: Deletion.
Coding change: c.309_383del on transcript NM_006121.4 (MANE Select); coding-DNA positions 309 to 383, 75 bases deleted.
Protein change: p.Ile114_Gly138del.
Molecular consequence: inframe deletion.
Genome position (GRCh38, 1-based): chr12:52,679,966-52,680,040, 75 bases deleted. GRCh37 (hg19): chr12:53,073,762-53,073,836.
Identifiers: ClinVar variation 4987830 (VCV004987830.1).

ClinVar aggregate classification (germline): Uncertain significance (1 of 4 stars; one submission).

Conditions:
KRT1-related disorder. Also called: KRT1-related condition.

Submission:

PreventionGenetics, part of Exact Sciences
Classification: Uncertain significance for KRT1-related condition. Last evaluated: 2025-07-26. Review status: criteria provided, single submitter. Criteria: ACMG Guidelines, 2015. Collection method: clinical testing. Allele origin: germline.
Comment: The KRT1 c.309_383del75 variant is predicted to result in an in-frame deletion (p.Ile114_Gly138del). To our knowledge, this variant has not been reported in the literature. This variant is reported in 0.0019% of alleles in individuals of European (Non-Finnish) descent in gnomAD. At this time, the clinical significance of this variant is uncertain due to the absence of conclusive functional and genetic evidence.